The following is an entry in ClinVar:

NM_005431.2(XRCC2):c.10G>T (p.Ala4Ser)

Gene: XRCC2 (X-ray repair cross complementing 2; minus strand). Cytogenetic location: 7q36.1.
Variant type: single nucleotide variant.
Coding change: c.10G>T on transcript NM_005431.2 (MANE Select); coding-DNA position 10, G replaced by T.
Protein change: p.Ala4Ser; replaces alanine 4 with serine.
Molecular consequence: missense variant.
Genome position (GRCh38, 1-based): chr7:152,676,070, C>A on the plus strand (G>T on the coding strand, the complement: XRCC2 is on the minus strand). VCF-style: chr7-152676070-C-A. GRCh37 (hg19) VCF-style: chr7-152373155-C-A.
Other names: c.10G>T (NM_005431.1); short protein forms A4S.
Identifiers: ClinVar variation 1010879 (VCV001010879.11), dbSNP rs1204405661, ClinGen allele CA370199634.
Genomic context (GRCh38, chr7:152,676,070, plus strand): 5'-TCTCCCTCACTCCCAACCCGGCGGCTCTCACCTCGGTCCCAGACTCAGCCCTATGGAAGG[C>A]ACTACACATCGCCCCGAAGGCTCGGCGCAGGAGAGACTCAACTTTCCCGCCACCAACGCC-3'
Protein context (NP_005422.1, residues 1-14): MCS[Ala4Ser]FHRAESGTEL

ClinVar aggregate classification (germline): Uncertain significance. Review status: criteria provided, multiple submitters, no conflicts (2 of 4 stars). 2 submissions from 2 submitters: Uncertain significance (2). Last evaluated 2025-02-10.

Conditions:
Hereditary cancer-predisposing syndrome. Also called: Tumor predisposition; Hereditary neoplastic syndrome; Neoplastic Syndromes, Hereditary; Hereditary Cancer Syndrome. Identifiers: Orphanet 140162, MedGen C0027672, MeSH D009386, MONDO:0015356.

Allele frequency attached by ClinVar (database versions not stated): gnomAD exomes below 0.00001; TOPMed below 0.00001.
gnomAD v4.1: 5 of 1,613,882 alleles (0.00031%); highest among the groups gnomAD compares: South Asian, 0.0011%; no homozygotes.

Submissions (2):

Ambry Genetics
Classification: Uncertain significance for Hereditary cancer-predisposing syndrome. Last evaluated: 2025-02-10. Review status: criteria provided, single submitter. Criteria: Ambry Variant Classification Scheme 2023. Collection method: clinical testing. Allele origin: germline.
Comment: The p.A4S variant (also known as c.10G>T), located in coding exon 1 of the XRCC2 gene, results from a G to T substitution at nucleotide position 10. The alanine at codon 4 is replaced by serine, an amino acid with similar properties. This amino acid position is conserved. In addition, this alteration is predicted to be tolerated by in silico analysis. Since supporting evidence is limited at this time, the clinical significance of this alteration remains unclear.

Labcorp Genetics (formerly Invitae), Labcorp
Classification: Uncertain significance. Last evaluated: 2020-08-02. Review status: criteria provided, single submitter. Criteria: Invitae Variant Classification Sherloc (09022015). Collection method: clinical testing. Allele origin: germline.
Comment: In summary, the available evidence is currently insufficient to determine the role of this variant in disease. Therefore, it has been classified as a Variant of Uncertain Significance. Algorithms developed to predict the effect of missense changes on protein structure and function (SIFT, PolyPhen-2, Align-GVGD) all suggest that this variant is likely to be tolerated, but these predictions have not been confirmed by published functional studies and their clinical significance is uncertain. This sequence change replaces alanine with serine at codon 4 of the XRCC2 protein (p.Ala4Ser). The alanine residue is weakly conserved and there is a moderate physicochemical difference between alanine and serine. This variant is not present in population databases (ExAC no frequency). This variant has not been reported in the literature in individuals with XRCC2-related conditions.